The following is an entry in ClinVar:

NM_025114.4(CEP290):c.3465G>A (p.Leu1155=)

Gene: CEP290 (centrosomal protein 290; minus strand). Cytogenetic location: 12q21.32.
Variant type: single nucleotide variant.
Coding change: c.3465G>A on transcript NM_025114.4 (MANE Select); coding-DNA position 3465, G replaced by A.
Protein change: p.Leu1155=; no amino-acid change (leucine 1155 retained).
Molecular consequence: synonymous variant.
Genome position (GRCh38, 1-based): chr12:88,090,836, C>T on the plus strand (G>A on the coding strand, the complement: CEP290 is on the minus strand). VCF-style: chr12-88090836-C-T. GRCh37 (hg19) VCF-style: chr12-88484613-C-T.
Other names: p.L1155L:CTG>CTA; p.Leu1155=.
Identifiers: ClinVar variation 136729 (VCV000136729.30), dbSNP rs150138016, ClinGen allele CA290039.
Genomic context (GRCh38, chr12:88,090,836, plus strand): 5'-AGATTGTTGTTGTGCATTCAAAATTTCAACTTGTCTTCTGGCAATATCAGAAATCTCTCT[C>T]AGTCTAGGAAATGATAAGGTATTTCAGGAACAATTAAGTACACTTTCTAAGTAAATGCCA-3'
Protein context (NP_079390.3, residues 1145-1165): EMELKVEVSK[Leu1155=]REISDIARRQ

ClinVar aggregate classification (germline): Conflicting classifications of pathogenicity. Review status: criteria provided, conflicting classifications (1 of 4 stars). 12 submissions from 8 submitters: Uncertain significance (2); Benign (8); Likely benign (1). 1 of the submissions does not count toward it. Last evaluated 2026-02-02.

Conditions:
Kidney disorder. Also called: Nephropathy; Kidney Diseases; renal disease; renal disorder; Kidney disease. Identifiers: MedGen C0022658, MONDO:0005240, HP:0000112.
Meckel-Gruber syndrome. Also called: DYSENCEPHALIA SPLANCHNOCYSTICA; GRUBER SYNDROME; Dysencephalia splachnocystica. Identifiers: Orphanet 564, MedGen C0265215, MONDO:0018921.
Nephronophthisis. Also called: Juvenile Nephronophthisis. Identifiers: Orphanet 655, MedGen C0687120, MONDO:0019005, HP:0000090.
Joubert syndrome. Also called: CEREBELLOPARENCHYMAL DISORDER IV; Familial aplasia of the vermis; JOUBERT-BOLTSHAUSER SYNDROME. Identifiers: Orphanet 475, MedGen C5979921, MONDO:0018772.
Leber congenital amaurosis (LCA). Also called: Leber's amaurosis. Identifiers: Orphanet 65, MedGen C0339527, MeSH D057130, MONDO:0018998.
Meckel syndrome, type 4 (MKS4). Also called: MECKEL-GRUBER SYNDROME, TYPE 4. Identifiers: Orphanet 564, MedGen C1970161, MONDO:0012626, OMIM 611134.
Bardet-Biedl syndrome 14 (BBS14). Identifiers: Orphanet 110, MedGen C2673874, MONDO:0014442, OMIM 615991.
Leber congenital amaurosis 10 (LCA10). Identifiers: Orphanet 65, MedGen C1857821, MONDO:0012723, OMIM 611755.
Senior-Loken syndrome 6 (SLSN6). Identifiers: Orphanet 3156, MedGen C1857779, MONDO:0012433, OMIM 610189.
Joubert syndrome 5 (JBTS5). Identifiers: Orphanet 2318, MedGen C1857780, MONDO:0012432, OMIM 610188.

Allele frequency attached by ClinVar (database versions not stated): gnomAD exomes 0.00071 and 0.00168; ExAC 0.00312; ESP Exome Variant Server 0.00662; gnomAD 0.00760 and 0.00815; TOPMed 0.00840; 1000 Genomes Project 0.00938; 1000 Genomes Project 30x 0.00999.
gnomAD v4.1: 2,174 of 1,539,792 alleles (0.14%); highest among the groups gnomAD compares: African/African-American, 2.7%; 34 homozygotes.

Submissions (12):

Labcorp Genetics (formerly Invitae), Labcorp
Classification: Benign for Joubert syndrome; Meckel-Gruber syndrome; Nephronophthisis. Last evaluated: 2026-02-02. Review status: criteria provided, single submitter. Criteria: Invitae Variant Classification Sherloc (09022015). Collection method: clinical testing. Allele origin: germline.

Mayo Clinic Laboratories, Mayo Clinic
Classification: Benign. Last evaluated: 2024-12-27. Review status: criteria provided, single submitter. Criteria: ACMG Guidelines, 2015. Collection method: clinical testing. Allele origin: germline. Observed: 1 variant allele.
Comment: BS1, BS2, BP4, BP7

ARUP Laboratories, Molecular Genetics and Genomics, ARUP Laboratories
Classification: Benign. Last evaluated: 2023-11-06. Review status: criteria provided, single submitter. Criteria: ARUP Molecular Germline Variant Investigation Process 2024. Collection method: clinical testing. Allele origin: germline.

Genome Diagnostics Laboratory, The Hospital for Sick Children
Classification: Uncertain significance for Kidney disorder. Last evaluated: 2018-06-01. Review status: criteria provided, single submitter. Criteria: ACMG Guidelines, 2015. Collection method: clinical testing. Allele origin: germline.

Illumina Laboratory Services, Illumina
Classification: Uncertain significance for Leber congenital amaurosis 10. Last evaluated: 2018-01-12. Review status: criteria provided, single submitter. Criteria: ICSL Variant Classification Criteria 13 December 2019. Collection method: clinical testing. Allele origin: germline.

Illumina Laboratory Services, Illumina
Classification: Benign for Bardet-Biedl syndrome 14. Last evaluated: 2018-01-12. Review status: criteria provided, single submitter. Criteria: ICSL Variant Classification Criteria 13 December 2019. Collection method: clinical testing. Allele origin: germline.
Comment: This variant was observed in the ICSL laboratory as part of a predisposition screen in an ostensibly healthy population. It had not been previously curated by ICSL or reported in the Human Gene Mutation Database (HGMD: prior to June 1st, 2018), and was therefore a candidate for classification through an automated scoring system. Utilizing variant allele frequency, disease prevalence and penetrance estimates, and inheritance mode, an automated score was calculated to assess if this variant is too frequent to cause the disease. Based on the score and internal cut-off values, a variant classified as benign is not then subjected to further curation. The score for this variant resulted in a classification of benign for this disease.

Illumina Laboratory Services, Illumina
Classification: Likely benign for Meckel syndrome, type 4. Last evaluated: 2018-01-12. Review status: criteria provided, single submitter. Criteria: ICSL Variant Classification Criteria 13 December 2019. Collection method: clinical testing. Allele origin: germline.
Comment: This variant was observed in the ICSL laboratory as part of a predisposition screen in an ostensibly healthy population. It had not been previously curated by ICSL or reported in the Human Gene Mutation Database (HGMD: prior to June 1st, 2018), and was therefore a candidate for classification through an automated scoring system. Utilizing variant allele frequency, disease prevalence and penetrance estimates, and inheritance mode, an automated score was calculated to assess if this variant is too frequent to cause the disease. Based on the score and internal cut-off values, a variant classified as likely benign is not then subjected to further curation. The score for this variant resulted in a classification of likely benign for this disease.

Illumina Laboratory Services, Illumina
Classification: Benign for Senior-Loken syndrome 6. Last evaluated: 2018-01-12. Review status: criteria provided, single submitter. Criteria: ICSL Variant Classification Criteria 13 December 2019. Collection method: clinical testing. Allele origin: germline.
Comment: the same text as in the submission from Illumina Laboratory Services, Illumina above.

Illumina Laboratory Services, Illumina
Classification: Benign for Joubert syndrome 5. Last evaluated: 2018-01-12. Review status: criteria provided, single submitter. Criteria: ICSL Variant Classification Criteria 13 December 2019. Collection method: clinical testing. Allele origin: germline.
Comment: the same text as in the submission from Illumina Laboratory Services, Illumina above.

GeneDx
Classification: Benign. Last evaluated: 2014-03-21. Review status: criteria provided, single submitter. Criteria: GeneDx Variant Classification (06012015). Collection method: clinical testing. Allele origin: germline. Affected: yes.
Comment: This variant is considered likely benign or benign based on one or more of the following criteria: it is a conservative change, it occurs at a poorly conserved position in the protein, it is predicted to be benign by multiple in silico algorithms, and/or has population frequency not consistent with disease.

PreventionGenetics, part of Exact Sciences
Classification: Benign. Review status: criteria provided, single submitter. Criteria: ACMG Guidelines, 2015. Collection method: clinical testing. Allele origin: germline.

Natera, Inc.
Classification: Benign for Leber congenital amaurosis. Last evaluated: 2020-09-16. Review status: no assertion criteria provided. Collection method: clinical testing. Allele origin: germline. Not counted in ClinVar's aggregate classification.